The following is an entry in ClinVar:

ClinVar aggregate classification (germline): Likely pathogenic (1 of 4 stars; one submission).

Conditions:
Mucopolysaccharidosis, MPS-IV-A (MPS4A). Also called: Morquio syndrome A, mild; MORQUIO SYNDROME A; GALACTOSAMINE-6-SULFATASE DEFICIENCY; GALNS DEFICIENCY; MORQUIO A DISEASE; Mucopolysaccharidosis type IV A. Identifiers: Orphanet 309297, Orphanet 582, MedGen C0086651, MONDO:0009659, OMIM 253000.

gnomAD v4.1: 1 of 152,228 alleles (0.00066%); highest among the groups gnomAD compares: East Asian, 0.019%; no homozygotes.

Submission:

Laboratory of Inherited Metabolic Diseases, Research centre for medical genetics
Classification: Likely pathogenic for Mucopolysaccharidosis, MPS-IV-A. Last evaluated: 2025-01-26. Review status: criteria provided, single submitter. Criteria: ACMG Guidelines, 2015. Collection method: research. Allele origin: unknown. Affected: no.
Comment: Minigene assay demonstrated insertion of several pseudoexons.

NM_000512.5(GALNS):c.422+933G>T

Gene: GALNS (galactosamine (N-acetyl)-6-sulfatase; minus strand). Cytogenetic location: 16q24.3.
Variant type: single nucleotide variant.
Coding change: c.422+933G>T on transcript NM_000512.5 (MANE Select); 933 bases into the intron after coding-DNA position 422, G replaced by T.
Molecular consequence: intron variant.
Genome position (GRCh38, 1-based): chr16:88,840,059, C>A on the plus strand (G>T on the coding strand, the complement: GALNS is on the minus strand). VCF-style: chr16-88840059-C-A. GRCh37 (hg19) VCF-style: chr16-88906467-C-A.
Other names: c.-134+933G>T (NM_001323543.2); c.440+933G>T (NM_001323544.2).
Identifiers: ClinVar variation 3600991 (VCV003600991.1).